The following is an entry in ClinVar:

NC_000001.10:g.(?_145498103)_(145567756_?)dup

Genes: ANKRD35 (ankyrin repeat domain 35; minus strand), ITGA10 (integrin subunit alpha 10; minus strand), LIX1L (limb and CNS expressed 1 like; minus strand), PEX11B (peroxisomal biogenesis factor 11 beta; minus strand), RBM8A (RNA binding motif protein 8A; minus strand). Cytogenetic location: 1q21.1.
Variant type: Duplication.
Identifiers: ClinVar variation 831302 (VCV000831302.1).

ClinVar aggregate classification (germline): Uncertain significance (1 of 4 stars; one submission).

Submission:

Labcorp Genetics (formerly Invitae), Labcorp
Classification: Uncertain significance. Last evaluated: 2019-12-11. Review status: criteria provided, single submitter. Criteria: Invitae Variant Classification Sherloc (09022015). Collection method: clinical testing. Allele origin: germline.
Comment: This variant results in a copy number gain of the genomic region encompassing the full coding sequence of the PEX11B gene. The boundaries of this event are unknown as they extend beyond the assayed region for this gene and therefore may encompass additional genes. As the precise location of this event is unknown, it may be in tandem or it may be located elsewhere in the genome. This variant has not been reported in the literature in individuals with PEX11B-related conditions. In summary, the available evidence is currently insufficient to determine the role of this variant in disease. Therefore, it has been classified as a Variant of Uncertain Significance.